The following is an entry in ClinVar:

ClinVar aggregate classification (germline): Uncertain significance (1 of 4 stars; one submission).

Submission:

CeGaT Center for Human Genetics Tuebingen
Classification: Uncertain significance. Last evaluated: 2026-04-01. Review status: criteria provided, single submitter. Criteria: CeGaT Center For Human Genetics Tuebingen Variant Classification Criteria Version 2. Collection method: clinical testing. Allele origin: germline. Affected: yes. Observed: 1 variant allele.
Comment: COL6A2: PM2

NM_001849.4(COL6A2):c.736-5T>C

Gene: COL6A2 (collagen type VI alpha 2 chain; plus strand). Cytogenetic location: 21q22.3.
Variant type: single nucleotide variant.
Coding change: c.736-5T>C on transcript NM_001849.4 (MANE Select); 5 bases into the intron before coding-DNA position 736, T replaced by C.
Molecular consequence: intron variant.
Genome position (GRCh38, 1-based): chr21:46,114,003, T>C. VCF-style: chr21-46114003-T-C. GRCh37 (hg19) VCF-style: chr21-47533917-T-C.
Other names: c.736-5T>C (NM_058175.3, NM_058174.3).
Identifiers: ClinVar variation 4872074 (VCV004872074.2).